The following is an entry in ClinVar:

ClinVar aggregate classification (germline): Uncertain significance. Review status: criteria provided, multiple submitters, no conflicts (2 of 4 stars). 2 submissions from 2 submitters: Uncertain significance (2). Last evaluated 2025-11-27.

Conditions:
Emery-Dreifuss muscular dystrophy (EDMD). Also called: Scapuloperoneal syndrome, X-linked (formerly); Humeroperoneal neuromuscular disease, (formerly). Identifiers: Orphanet 261, MedGen C0410189, MONDO:0016830.

Allele frequency attached by ClinVar (database versions not stated): gnomAD exomes below 0.00001.
gnomAD v4.1: 6 of 1,613,652 alleles (0.00037%); highest among the groups gnomAD compares: Admixed American, 0.0033%; no homozygotes.

Submissions (2):

Ambry Genetics
Classification: Uncertain significance. Last evaluated: 2025-11-27. Review status: criteria provided, single submitter. Criteria: Ambry Variant Classification Scheme 2023. Collection method: clinical testing. Allele origin: germline.

Labcorp Genetics (formerly Invitae), Labcorp
Classification: Uncertain significance for Emery-Dreifuss muscular dystrophy. Last evaluated: 2017-06-05. Review status: criteria provided, single submitter. Criteria: Invitae Variant Classification Sherloc (09022015). Collection method: clinical testing. Allele origin: germline.
Comment: This sequence change replaces threonine with isoleucine at codon 343 of the SUN1 protein (p.Thr343Ile). The threonine residue is weakly conserved and there is a moderate physicochemical difference between threonine and isoleucine. In summary, this variant has uncertain impact on SUN1 function. The available evidence is currently insufficient to determine its role in disease. Therefore, it has been classified as a Variant of Uncertain Significance. Algorithms developed to predict the effect of missense changes on protein structure and function do not agree on the potential impact of this missense change (SIFT: "Tolerated"; PolyPhen-2: "Probably Damaging"; Align-GVGD: "Class C0"). This variant has not been reported in the literature in individuals with a SUN1-related disease. This variant is not present in population databases (ExAC no frequency).

NM_001130965.3(SUN1):c.1028C>T (p.Thr343Ile)

Gene: SUN1 (Sad1 and UNC84 domain containing 1; plus strand). Cytogenetic location: 7p22.3.
Variant type: single nucleotide variant.
Coding change: c.1028C>T on transcript NM_001130965.3 (MANE Select); coding-DNA position 1028, C replaced by T.
Protein change: p.Thr343Ile; replaces threonine 343 with isoleucine.
Molecular consequence: missense variant. On other transcripts: non-coding transcript variant (3).
Genome position (GRCh38, 1-based): chr7:852,927, C>T. VCF-style: chr7-852927-C-T. GRCh37 (hg19) VCF-style: chr7-892564-C-T.
Other names: c.719C>T, p.Thr240Ile (NM_001171944.2); c.1028C>T, p.Thr343Ile (NM_001367633.1, NM_001367634.1, NM_001367653.1 and 1 more transcripts); c.677C>T, p.Thr226Ile (NM_001367635.1); c.1268C>T, p.Thr423Ile (NM_001367636.1, NM_001367691.1); c.1136C>T, p.Thr379Ile (NM_001367638.1); c.569C>T, p.Thr190Ile (NM_001367639.1); c.1208C>T, p.Thr403Ile (NM_001367640.1); c.1310C>T, p.Thr437Ile (NM_001367641.1, NM_001367682.1); and 38 more; short protein forms T343I, T190I, T330I, T352I, T357I, T370I, T379I, T386I.
Identifiers: ClinVar variation 461637 (VCV000461637.9), dbSNP rs1006896977, ClinGen allele CA152352180.